The following is an entry in ClinVar:

ClinVar aggregate classification (germline): Likely pathogenic (1 of 4 stars; one submission).

Conditions:
Ehlers-Danlos syndrome, type 4 (EDSVASC). Also called: Ehlers-Danlos syndrome vascular type; Ehlers Danlos syndrome, ecchymotic type; Ehlers Danlos syndrome, arterial type; Ehlers Danlos syndrome, Sack-Barabas type; Ehlers-Danlos Syndrome Type IV. Identifiers: Orphanet 286, MedGen C0268338, MONDO:0017314, OMIM 130050.

Submission:

Labcorp Genetics (formerly Invitae), Labcorp
Classification: Likely pathogenic for Ehlers-Danlos syndrome, type 4. Last evaluated: 2022-10-26. Review status: criteria provided, single submitter. Criteria: Invitae Variant Classification Sherloc (09022015). Collection method: clinical testing. Allele origin: germline.
Comment: In summary, the currently available evidence indicates that the variant is pathogenic, but additional data are needed to prove that conclusively. Therefore, this variant has been classified as Likely Pathogenic. This variant disrupts the triple helix domain of COL3A1. Glycine residues within the Gly-Xaa-Yaa repeats of the triple helix domain are required for the structure and stability of fibrillar collagens (PMID: 7695699, 8218237, 19344236). In COL3A1, variants that affect these glycine residues are significantly enriched in individuals with disease (PMID: 24922459, 25758994) compared to the general population (ExAC). Advanced modeling of protein sequence and biophysical properties (such as structural, functional, and spatial information, amino acid conservation, physicochemical variation, residue mobility, and thermodynamic stability) performed at Invitae indicates that this missense variant is expected to disrupt COL3A1 protein function. ClinVar contains an entry for this variant (Variation ID: 1506584). This missense change has been observed in individual(s) with clinical features of vascular Ehlers-Danlos syndrome (Invitae). This variant is not present in population databases (gnomAD no frequency). This sequence change replaces glycine, which is neutral and non-polar, with valine, which is neutral and non-polar, at codon 408 of the COL3A1 protein (p.Gly408Val).

Literature cited by the submitters: PubMed 7695699; PubMed 8218237; PubMed 19344236; PubMed 24922459; PubMed 25758994.

NM_000090.4(COL3A1):c.1223G>T (p.Gly408Val)

Gene: COL3A1 (collagen type III alpha 1 chain; plus strand). Cytogenetic location: 2q32.2.
Variant type: single nucleotide variant.
Coding change: c.1223G>T on transcript NM_000090.4 (MANE Select); coding-DNA position 1223, G replaced by T.
Protein change: p.Gly408Val; replaces glycine 408 with valine.
Molecular consequence: missense variant.
Genome position (GRCh38, 1-based): chr2:188,994,262, G>T. VCF-style: chr2-188994262-G-T. GRCh37 (hg19) VCF-style: chr2-189858988-G-T.
Other names: short protein forms G408V.
Identifiers: ClinVar variation 1506584 (VCV001506584.8), dbSNP rs794728043, ClinGen allele CA349851392.